The following is an entry in ClinVar:

ClinVar aggregate classification (germline): Conflicting classifications of pathogenicity. Review status: criteria provided, conflicting classifications (1 of 4 stars). 2 submissions from 1 submitter: Uncertain significance (1); Likely benign (1). Last evaluated 2018-01-12.

Conditions:
Charcot-Marie-Tooth disease, axonal, with vocal cord paresis, autosomal recessive. Also called: CHARCOT-MARIE-TOOTH DISEASE, TYPE 4A, AXONAL FORM; CHARCOT-MARIE-TOOTH NEUROPATHY, AXONAL, WITH VOCAL CORD PARESIS, AUTOSOMAL RECESSIVE; CMT2 WITH VOCAL CORD PARESIS, AUTOSOMAL RECESSIVE. Identifiers: Orphanet 101097, MedGen C1843183, MONDO:0011898, OMIM 607706.
Charcot-Marie-Tooth disease recessive intermediate A (CMTRIA). Also called: CHARCOT-MARIE-TOOTH NEUROPATHY, RECESSIVE INTERMEDIATE A. Identifiers: Orphanet 217055, MedGen C1842197, MONDO:0012014, OMIM 608340.

Allele frequency attached by ClinVar (database versions not stated): 1000 Genomes Project 30x 0.00125; TOPMed 0.00287.
gnomAD v4.1: 1,145 of 451,854 alleles (0.25%); highest among the groups gnomAD compares: Middle Eastern, 0.42%; 2 homozygotes.

Submissions (2):

Illumina Laboratory Services, Illumina
Classification: Uncertain significance for Charcot-Marie-Tooth disease recessive intermediate A. Last evaluated: 2018-01-12. Review status: criteria provided, single submitter. Criteria: ICSL Variant Classification Criteria 13 December 2019. Collection method: clinical testing. Allele origin: germline.

Illumina Laboratory Services, Illumina
Classification: Likely benign for Charcot-Marie-Tooth disease, axonal, with vocal cord paresis, autosomal recessive. Last evaluated: 2018-01-12. Review status: criteria provided, single submitter. Criteria: ICSL Variant Classification Criteria 13 December 2019. Collection method: clinical testing. Allele origin: germline.
Comment: This variant was observed in the ICSL laboratory as part of a predisposition screen in an ostensibly healthy population. It had not been previously curated by ICSL or reported in the Human Gene Mutation Database (HGMD: prior to June 1st, 2018), and was therefore a candidate for classification through an automated scoring system. Utilizing variant allele frequency, disease prevalence and penetrance estimates, and inheritance mode, an automated score was calculated to assess if this variant is too frequent to cause the disease. Based on the score and internal cut-off values, a variant classified as likely benign is not then subjected to further curation. The score for this variant resulted in a classification of likely benign for this disease.

NM_018972.4(GDAP1):c.*1639A>G

Gene: GDAP1 (ganglioside induced differentiation associated protein 1; plus strand). Cytogenetic location: 8q21.11.
Variant type: single nucleotide variant.
Coding change: c.*1639A>G on transcript NM_018972.4 (MANE Select); 1639 bases downstream of the stop codon, A replaced by G.
Molecular consequence: 3 prime UTR variant. On other transcripts: intron variant (1).
Genome position (GRCh38, 1-based): chr8:74,366,006, A>G. VCF-style: chr8-74366006-A-G. GRCh37 (hg19) VCF-style: chr8-75278241-A-G.
Other names: c.*1639A>G (NM_001040875.4, NM_001362929.2, NM_001362930.2 and 1 more transcripts); c.694+2953A>G (NM_001362931.2).
Identifiers: ClinVar variation 363748 (VCV000363748.5), dbSNP rs145245478, ClinGen allele CA4785331.